The following is an entry in ClinVar:

NM_001267550.2(TTN):c.78906A>C (p.Glu26302Asp)

Genes: TTN (titin; minus strand), TTN-AS1 (TTN antisense RNA 1; plus strand). Cytogenetic location: 2q31.2.
Variant type: single nucleotide variant.
Coding change: c.78906A>C on transcript NM_001267550.2 (MANE Select); coding-DNA position 78906, A replaced by C.
Protein change: p.Glu26302Asp; replaces glutamic acid 26302 with aspartic acid.
Molecular consequence: missense variant.
Genome position (GRCh38, 1-based): chr2:178,567,226, T>G on the plus strand (A>C on the coding strand, the complement: TTN is on the minus strand). VCF-style: chr2-178567226-T-G. GRCh37 (hg19) VCF-style: chr2-179431953-T-G.
Other names: p.Glu24661Asp; c.78906A>C (LRG_391t1); c.73983A>C, p.Glu24661Asp (NM_001256850.1); c.51711A>C, p.Glu17237Asp (NM_003319.4); c.71202A>C, p.Glu23734Asp (NM_133378.4); c.52086A>C, p.Glu17362Asp (NM_133432.3); c.52287A>C, p.Glu17429Asp (NM_133437.4); short protein forms E23734D, E26302D, E24661D, E17362D, E17429D, E17237D.
Identifiers: ClinVar variation 332771 (VCV000332771.48), dbSNP rs534003014, ClinGen allele CA1989554.

ClinVar aggregate classification (germline): Conflicting classifications of pathogenicity. Review status: criteria provided, conflicting classifications (1 of 4 stars). 19 submissions from 15 submitters: Uncertain significance (15); Likely benign (4). Last evaluated 2026-06-17.

Conditions:
Early-onset myopathy with fatal cardiomyopathy (CMYO5). Also called: CONGENITAL MYOPATHY 5 WITH CARDIOMYOPATHY; Salih Myopathy. Identifiers: Orphanet 289377, MedGen C2673677, MONDO:0012714, OMIM 611705. Disease mechanism: loss of function.
Tibial muscular dystrophy (TMD). Also called: Udd Distal Myopathy – Tibial Muscular Dystrophy; UDD MYOPATHY; Tibial muscular dystrophy, tardive. Identifiers: Orphanet 609, MedGen C1838244, MONDO:0010870, OMIM 600334.
Cardiomyopathy (CMYO). Also called: Cardiomyopathies. Identifiers: Orphanet 167848, MedGen C0878544, MONDO:0004994, HP:0001638. Inheritance: Various modes of inheritance.
Cardiovascular phenotype. Identifiers: MedGen CN230736.
Dilated cardiomyopathy 1G (CMD1G). Identifiers: Orphanet 154, MedGen C1858763, MONDO:0011400, OMIM 604145.
Autosomal recessive limb-girdle muscular dystrophy type 2J (LGMDR10). Also called: MUSCULAR DYSTROPHY, LIMB-GIRDLE, AUTOSOMAL RECESSIVE 10; Limb-girdle muscular dystrophy, type 2J. Identifiers: Orphanet 140922, MedGen C1837342, MONDO:0012127, OMIM 608807.
Myopathy, myofibrillar, 9, with early respiratory failure (MFM9). Also called: Myopathy, distal, with early respiratory failure, autosomal dominant; EDSTROM MYOPATHY; Hereditary myopathy with early respiratory failure; MYOPATHY, PROXIMAL, WITH EARLY RESPIRATORY MUSCLE INVOLVEMENT. Identifiers: Orphanet 178464, Orphanet 34521, MedGen C1863599, MONDO:0011362, OMIM 603689.
TTN-related disorder. Also called: TTN-related condition; TTN-related disease; TTN-related disorders.
Hypertrophic cardiomyopathy 9. Also called: Familial hypertrophic cardiomyopathy 9. Identifiers: MedGen C1861065, MONDO:0013412, OMIM 613765.

Allele frequency attached by ClinVar (database versions not stated): ExAC 0.00005; gnomAD exomes 0.00006 and 0.00021; gnomAD 0.00009; TOPMed 0.00009.
gnomAD v4.1: 308 of 1,609,020 alleles (0.019%); highest among the groups gnomAD compares: Non-Finnish European, 0.024%; no homozygotes.

Submissions (19):

PreventionGenetics, part of Exact Sciences
Classification: Uncertain significance for TTN-related condition. Last evaluated: 2026-06-17. Review status: criteria provided, single submitter. Criteria: ACMG Guidelines, 2015. Collection method: clinical testing. Allele origin: germline.
Comment: The TTN c.78906A>C variant is predicted to result in the amino acid substitution p.Glu26302Asp. This variant has been reported in an individual with dilated cardiomyopathy (reported as p.Glu23734Asp from transcript NM_133378 in Online Supplementary File 2, van Lint et al. 2019. PubMed ID: 30847666). This variant is reported in 0.013% of alleles in individuals of European (Non-Finnish) descent in gnomAD and has conflicting interpretations regarding its pathogenicity in ClinVar, ranging from likely benign to uncertain. Although we suspect that this variant may be benign, at this time, the clinical significance of this variant is uncertain due to the absence of conclusive functional and genetic evidence.

Mayo Clinic Laboratories, Mayo Clinic
Classification: Uncertain significance. Last evaluated: 2025-11-12. Review status: criteria provided, single submitter. Criteria: ACMG Guidelines, 2015. Collection method: clinical testing. Allele origin: germline. Observed: 3 variant alleles.
Comment: BP1, BP4_moderate

Women's Health and Genetics/Laboratory Corporation of America, LabCorp
Classification: Uncertain significance. Last evaluated: 2025-07-02. Review status: criteria provided, single submitter. Criteria: LabCorp Variant Classification Summary - May 2015. Collection method: clinical testing. Allele origin: germline.
Comment: Variant summary: TTN c.71202A>C (p.Glu23734Asp) results in a conservative amino acid change in the encoded protein sequence. Algorithms developed to predict the effect of missense changes on protein structure and function all suggest that this variant is likely to be tolerated. The variant allele was found at a frequency of 6.1e-05 in 244782 control chromosomes. This frequency is not significantly higher than estimated for a pathogenic variant in TTN causing Autosomal Recessive Titinopathy (6.1e-05 vs 0.00039), allowing no conclusion about variant significance. c.71202A>C has been observed in individual(s) affected with Dilated Cardiomyopathy without strong evidence for causality (e.g. vanLint_2015). These report(s) do not provide unequivocal conclusions about association of the variant with Autosomal Recessive Titinopathy. To our knowledge, no experimental evidence demonstrating an impact on protein function has been reported. The following publication has been ascertained in the context of this evaluation (PMID: 30847666). ClinVar contains an entry for this variant (Variation ID: 332771). Based on the evidence outlined above, the variant was classified as uncertain significance.

CeGaT Center for Human Genetics Tuebingen
Classification: Uncertain significance. Last evaluated: 2025-01-01. Review status: criteria provided, single submitter. Criteria: CeGaT Center For Human Genetics Tuebingen Variant Classification Criteria Version 2. Collection method: clinical testing. Allele origin: germline. Affected: yes. Observed: 2 variant alleles.
Comment: TTN: PM2

Blueprint Genetics
Classification: Likely benign. Last evaluated: 2024-08-22. Review status: criteria provided, single submitter. Criteria: ACMG Guidelines, 2015. Collection method: clinical testing. Allele origin: germline.

Fulgent Genetics
Classification: Uncertain significance for Tibial muscular dystrophy; Myopathy, myofibrillar, 9, with early respiratory failure; Dilated cardiomyopathy 1G; Autosomal recessive limb-girdle muscular dystrophy type 2J; Early-onset myopathy with fatal cardiomyopathy; Hypertrophic cardiomyopathy 9. Last evaluated: 2024-03-06. Review status: criteria provided, single submitter. Criteria: ACMG Guidelines, 2015. Collection method: clinical testing. Allele origin: germline.

Revvity Omics, Revvity
Classification: Uncertain significance. Last evaluated: 2023-06-06. Review status: criteria provided, single submitter. Criteria: ACMG Guidelines, 2015. Collection method: clinical testing. Allele origin: germline.

Department of Pathology and Laboratory Medicine, Sinai Health System
Classification: Uncertain significance for Tibial muscular dystrophy; Myopathy, myofibrillar, 9, with early respiratory failure; Dilated cardiomyopathy 1G; Autosomal recessive limb-girdle muscular dystrophy type 2J; Early-onset myopathy with fatal cardiomyopathy; Hypertrophic cardiomyopathy 9. Last evaluated: 2020-08-31. Review status: criteria provided, single submitter. Criteria: ACMG Guidelines, 2015. Collection method: research. Allele origin: germline.

CHEO Genetics Diagnostic Laboratory, Children's Hospital of Eastern Ontario
Classification: Uncertain significance for Cardiomyopathy. Last evaluated: 2019-08-27. Review status: criteria provided, single submitter. Criteria: ACMG Guidelines, 2015. Collection method: clinical testing. Allele origin: germline.

GeneDx
Classification: Likely benign. Last evaluated: 2018-11-09. Review status: criteria provided, single submitter. Criteria: GeneDx Variant Classification Process June 2021. Collection method: clinical testing. Allele origin: germline. Affected: yes.
Comment: This variant is associated with the following publications: (PMID: 30847666)

Ambry Genetics
Classification: Uncertain significance for Cardiovascular phenotype. Last evaluated: 2018-09-24. Review status: criteria provided, single submitter. Criteria: Ambry Variant Classification Scheme 2023. Collection method: clinical testing. Allele origin: germline.
Comment: The p.E17237D variant (also known as c.51711A>C), located in coding exon 153 of the TTN gene, results from an A to C substitution at nucleotide position 51711. The glutamic acid at codon 17237 is replaced by aspartic acid, an amino acid with highly similar properties. This amino acid position is well conserved in available vertebrate species; however, aspartic acid is the reference amino acid in other vertebrate species. In addition, this alteration is predicted to be tolerated by in silico analysis. Since supporting evidence is limited at this time, the clinical significance of this alteration remains unclear.

Eurofins Ntd Llc (ga)
Classification: Uncertain significance. Last evaluated: 2018-02-27. Review status: criteria provided, single submitter. Criteria: EGL ClinVar v180209 classification definitions. Collection method: clinical testing. Allele origin: germline. Observed: 1 variant allele, 1 heterozygote.

Illumina Laboratory Services, Illumina
Classification: Uncertain significance for Dilated cardiomyopathy 1G. Last evaluated: 2018-01-13. Review status: criteria provided, single submitter. Criteria: ICSL Variant Classification Criteria 13 December 2019. Collection method: clinical testing. Allele origin: germline.

Illumina Laboratory Services, Illumina
Classification: Likely benign for Tibial muscular dystrophy. Last evaluated: 2018-01-13. Review status: criteria provided, single submitter. Criteria: ICSL Variant Classification Criteria 13 December 2019. Collection method: clinical testing. Allele origin: germline.
Comment: This variant was observed in the ICSL laboratory as part of a predisposition screen in an ostensibly healthy population. It had not been previously curated by ICSL or reported in the Human Gene Mutation Database (HGMD: prior to June 1st, 2018), and was therefore a candidate for classification through an automated scoring system. Utilizing variant allele frequency, disease prevalence and penetrance estimates, and inheritance mode, an automated score was calculated to assess if this variant is too frequent to cause the disease. Based on the score and internal cut-off values, a variant classified as likely benign is not then subjected to further curation. The score for this variant resulted in a classification of likely benign for this disease.

Illumina Laboratory Services, Illumina
Classification: Likely benign for Myopathy, myofibrillar, 9, with early respiratory failure. Last evaluated: 2018-01-13. Review status: criteria provided, single submitter. Criteria: ICSL Variant Classification Criteria 13 December 2019. Collection method: clinical testing. Allele origin: germline.
Comment: the same text as in the submission from Illumina Laboratory Services, Illumina above.

Illumina Laboratory Services, Illumina
Classification: Uncertain significance for Autosomal recessive limb-girdle muscular dystrophy type 2J. Last evaluated: 2018-01-13. Review status: criteria provided, single submitter. Criteria: ICSL Variant Classification Criteria 13 December 2019. Collection method: clinical testing. Allele origin: germline.

Illumina Laboratory Services, Illumina
Classification: Uncertain significance for Early-onset myopathy with fatal cardiomyopathy. Last evaluated: 2018-01-13. Review status: criteria provided, single submitter. Criteria: ICSL Variant Classification Criteria 13 December 2019. Collection method: clinical testing. Allele origin: germline.

Labcorp Genetics (formerly Invitae), Labcorp
Classification: Uncertain significance for Dilated cardiomyopathy 1G; Autosomal recessive limb-girdle muscular dystrophy type 2J. Last evaluated: 2017-07-07. Review status: criteria provided, single submitter. Criteria: Invitae Variant Classification Sherloc (09022015). Collection method: clinical testing. Allele origin: germline.

Athena Diagnostics
Classification: Uncertain significance. Last evaluated: 2017-04-14. Review status: criteria provided, single submitter. Criteria: Athena Diagnostics Criteria. Collection method: clinical testing. Allele origin: germline.

Literature cited by the submitters: PubMed 30847666 (cited by Mayo Clinic Laboratories, Mayo Clinic and Women's Health and Genetics/Laboratory Corporation of America, LabCorp).